The following is an entry in ClinVar:

ClinVar aggregate classification (germline): Uncertain significance. Review status: criteria provided, multiple submitters, no conflicts (2 of 4 stars). 3 submissions from 3 submitters: Uncertain significance (3). Last evaluated 2025-06-05.

Conditions:
Hereditary cancer-predisposing syndrome. Also called: Hereditary neoplastic syndrome; Neoplastic Syndromes, Hereditary; Tumor predisposition; Hereditary Cancer Syndrome. Identifiers: Orphanet 140162, MedGen C0027672, MeSH D009386, MONDO:0015356.

Allele frequency attached by ClinVar (database versions not stated): ExAC 0.00005.

Submissions (3):

Color Diagnostics, LLC DBA Color Health
Classification: Uncertain significance for Hereditary cancer-predisposing syndrome. Last evaluated: 2025-06-05. Review status: criteria provided, single submitter. Criteria: ACMG Guidelines, 2015. Collection method: clinical testing. Allele origin: germline.
Comment: This missense variant replaces glycine with glutamic acid at codon 819 of the PMS2 protein. Computational prediction suggests that this variant may have deleterious impact on protein structure and function. To our knowledge, functional studies have not been reported for this variant. This variant has not been reported in individuals affected with PMS2-related disorders in the literature. This variant has been identified in 1/122702 chromosomes in the general population by the Genome Aggregation Database (gnomAD). The available evidence is insufficient to determine the role of this variant in disease conclusively. Therefore, this variant is classified as a Variant of Uncertain Significance.

CeGaT Center for Human Genetics Tuebingen
Classification: Uncertain significance. Last evaluated: 2023-03-01. Review status: criteria provided, single submitter. Criteria: CeGaT Center For Human Genetics Tuebingen Variant Classification Criteria Version 2. Collection method: clinical testing. Allele origin: germline. Affected: yes. Observed: 1 variant allele.
Comment: PMS2: PP3

Ambry Genetics
Classification: Uncertain significance for Hereditary cancer-predisposing syndrome. Last evaluated: 2022-04-10. Review status: criteria provided, single submitter. Criteria: Ambry Variant Classification Scheme 2023. Collection method: clinical testing. Allele origin: germline.
Comment: The p.G819E variant (also known as c.2456G>A), located in coding exon 15 of the PMS2 gene, results from a G to A substitution at nucleotide position 2456. The glycine at codon 819 is replaced by glutamic acid, an amino acid with similar properties. This amino acid position is conserved. In addition, this alteration is predicted to be deleterious by in silico analysis. Since supporting evidence is limited at this time, the clinical significance of this alteration remains unclear.

NM_000535.7(PMS2):c.2456G>A (p.Gly819Glu)

Gene: PMS2 (PMS1 homolog 2, mismatch repair system component; minus strand). Cytogenetic location: 7p22.1.
Variant type: single nucleotide variant.
Coding change: c.2456G>A on transcript NM_000535.7 (MANE Select); coding-DNA position 2456, G replaced by A.
Protein change: p.Gly819Glu; replaces glycine 819 with glutamic acid.
Molecular consequence: missense variant. On other transcripts: non-coding transcript variant (1).
Genome position (GRCh38, 1-based): chr7:5,973,532, C>T on the plus strand (G>A on the coding strand, the complement: PMS2 is on the minus strand). VCF-style: chr7-5973532-C-T. GRCh37 (hg19) VCF-style: chr7-6013163-C-T.
Other names: c.2051G>A, p.Gly684Glu (NM_001018040.1, NM_001322003.2, NM_001322004.2 and 12 more transcripts); c.2300G>A, p.Gly767Glu (NM_001322006.2); c.2138G>A, p.Gly713Glu (NM_001322007.2, NM_001322008.2, NM_001406883.1); c.2084G>A, p.Gly695Glu (NM_001322009.2, NM_001406887.1, NM_001406888.1); c.1895G>A, p.Gly632Glu (NM_001322010.2, NM_001406906.1, NM_001406907.1); c.1523G>A, p.Gly508Glu (NM_001322011.2, NM_001322012.2); c.2288G>A, p.Gly763Glu (NM_001406874.1, NM_001406872.1); c.2180G>A, p.Gly727Glu (NM_001406875.1); and 20 more; short protein forms G771E, G508E, G628E, G707E, G716E, G632E, G657E, G697E.
Identifiers: ClinVar variation 1791552 (VCV001791552.33), dbSNP rs769718783, ClinGen allele CA048350.